The following is an entry in ClinVar:

NM_014003.4(DHX38):c.569G>A (p.Arg190His)

Gene: DHX38 (DEAH-box helicase 38; plus strand). Cytogenetic location: 16q22.2.
Variant type: single nucleotide variant.
Coding change: c.569G>A on transcript NM_014003.4 (MANE Select); coding-DNA position 569, G replaced by A.
Protein change: p.Arg190His; replaces arginine 190 with histidine.
Molecular consequence: missense variant.
Genome position (GRCh38, 1-based): chr16:72,097,734, G>A. VCF-style: chr16-72097734-G-A. GRCh37 (hg19) VCF-style: chr16-72131633-G-A.
Other names: short protein forms R190H.
Identifiers: ClinVar variation 1036735 (VCV001036735.7), dbSNP rs769129571, ClinGen allele CA8160014.

ClinVar aggregate classification (germline): Uncertain significance. Review status: criteria provided, multiple submitters, no conflicts (2 of 4 stars). 2 submissions from 2 submitters: Uncertain significance (2). Last evaluated 2022-10-07.

Allele frequency attached by ClinVar (database versions not stated): gnomAD exomes below 0.00001 and 0.00002; ExAC 0.00001; gnomAD 0.00002; TOPMed 0.00003.

Submissions (2):

Blueprint Genetics
Classification: Uncertain significance. Last evaluated: 2022-10-07. Review status: criteria provided, single submitter. Criteria: ACMG Guidelines, 2015. Collection method: clinical testing. Allele origin: germline.

Labcorp Genetics (formerly Invitae), Labcorp
Classification: Uncertain significance. Last evaluated: 2021-09-01. Review status: criteria provided, single submitter. Criteria: Invitae Variant Classification Sherloc (09022015). Collection method: clinical testing. Allele origin: germline.
Comment: This sequence change replaces arginine with histidine at codon 190 of the DHX38 protein (p.Arg190His). The arginine residue is highly conserved and there is a small physicochemical difference between arginine and histidine. This variant is present in population databases (rs769129571, ExAC 0.002%). This variant has not been reported in the literature in individuals affected with DHX38-related conditions. Algorithms developed to predict the effect of missense changes on protein structure and function are either unavailable or do not agree on the potential impact of this missense change (SIFT: "Deleterious"; PolyPhen-2: "Benign"; Align-GVGD: "Class C25"). In summary, the available evidence is currently insufficient to determine the role of this variant in disease. Therefore, it has been classified as a Variant of Uncertain Significance.